The following is an entry in ClinVar:

NM_003060.4(SLC22A5):c.366C>G (p.Asp122Glu)

Gene: SLC22A5 (solute carrier family 22 member 5; plus strand). Cytogenetic location: 5q31.1.
Variant type: single nucleotide variant.
Coding change: c.366C>G on transcript NM_003060.4 (MANE Select); coding-DNA position 366, C replaced by G.
Protein change: p.Asp122Glu; replaces aspartic acid 122 with glutamic acid.
Molecular consequence: missense variant.
Genome position (GRCh38, 1-based): chr5:132,370,338, C>G. VCF-style: chr5-132370338-C-G. GRCh37 (hg19) VCF-style: chr5-131706030-C-G.
Other names: c.366C>G, p.Asp122Glu (NM_001308122.2); short protein forms D122E.
Identifiers: ClinVar variation 1482825 (VCV001482825.6), dbSNP rs2126765599, ClinGen allele CA360802911.

ClinVar aggregate classification (germline): Uncertain significance (1 of 4 stars; one submission).

Conditions:
Renal carnitine transport defect (CDSP). Also called: Primary carnitine deficiency; Systemic primary carnitine deficiency; CARNITINE DEFICIENCY, SYSTEMIC, DUE TO DEFECT IN RENAL REABSORPTION OF CARNITINE; CARNITINE TRANSPORTER, PLASMA-MEMBRANE, DEFICIENCY OF; CARNITINE UPTAKE DEFECT; Carnitine transporter deficiency. Identifiers: Orphanet 158, MedGen C0342788, MONDO:0008919, OMIM 212140.

Allele frequency attached by ClinVar (database versions not stated): gnomAD exomes below 0.00001.
gnomAD v4.1: 2 of 1,612,252 alleles (0.00012%); highest among the groups gnomAD compares: Non-Finnish European, 0.00017%; no homozygotes.

Submission:

Labcorp Genetics (formerly Invitae), Labcorp
Classification: Uncertain significance for Renal carnitine transport defect. Last evaluated: 2022-08-09. Review status: criteria provided, single submitter. Criteria: Invitae Variant Classification Sherloc (09022015). Collection method: clinical testing. Allele origin: germline.
Comment: In summary, the available evidence is currently insufficient to determine the role of this variant in disease. Therefore, it has been classified as a Variant of Uncertain Significance. This variant disrupts the p.Asp122 amino acid residue in SLC22A5. Other variant(s) that disrupt this residue have been determined to be pathogenic (PMID: 20574985, 21864509). This suggests that this residue is clinically significant, and that variants that disrupt this residue are likely to be disease-causing. Advanced modeling of protein sequence and biophysical properties (such as structural, functional, and spatial information, amino acid conservation, physicochemical variation, residue mobility, and thermodynamic stability) performed at Invitae indicates that this missense variant is not expected to disrupt SLC22A5 protein function. ClinVar contains an entry for this variant (Variation ID: 1482825). This variant has not been reported in the literature in individuals affected with SLC22A5-related conditions. This variant is not present in population databases (gnomAD no frequency). This sequence change replaces aspartic acid, which is acidic and polar, with glutamic acid, which is acidic and polar, at codon 122 of the SLC22A5 protein (p.Asp122Glu).

Literature cited by the submitters: PubMed 20574985; PubMed 21864509.